The following is an entry in ClinVar:

ClinVar aggregate classification (germline): Uncertain significance (1 of 4 stars; one submission).

Conditions:
Hereditary cancer-predisposing syndrome. Also called: Neoplastic Syndromes, Hereditary; Tumor predisposition; Hereditary neoplastic syndrome; Hereditary Cancer Syndrome. Identifiers: Orphanet 140162, MedGen C0027672, MeSH D009386, MONDO:0015356.

Submission:

Ambry Genetics
Classification: Uncertain significance for Hereditary cancer-predisposing syndrome. Last evaluated: 2026-07-07. Review status: criteria provided, single submitter. Criteria: Ambry Variant Classification Scheme 2023. Collection method: clinical testing. Allele origin: germline.
Comment: The p.I277S variant (also known as c.830T>G), located in coding exon 7 of the BMPR1A gene, results from a T to G substitution at nucleotide position 830. The isoleucine at codon 277 is replaced by serine, an amino acid with dissimilar properties. This amino acid position is conserved. In addition, this alteration is predicted to be deleterious by in silico analysis. Based on the available evidence, the clinical significance of this variant remains unclear.

NM_004329.3(BMPR1A):c.830T>G (p.Ile277Ser)

Gene: BMPR1A (bone morphogenetic protein receptor type 1A; plus strand). Cytogenetic location: 10q23.2.
Variant type: single nucleotide variant.
Coding change: c.830T>G on transcript NM_004329.3 (MANE Select); coding-DNA position 830, T replaced by G.
Protein change: p.Ile277Ser; replaces isoleucine 277 with serine.
Molecular consequence: missense variant. On other transcripts: non-coding transcript variant (3).
Genome position (GRCh38, 1-based): chr10:86,917,288, T>G. VCF-style: chr10-86917288-T-G. GRCh37 (hg19) VCF-style: chr10-88677045-T-G.
Other names: c.830T>G, p.Ile277Ser (NM_001406578.1, NM_001406579.1, NM_001406580.1 and 19 more transcripts); c.824T>G, p.Ile275Ser (NM_001406583.1); c.746T>G, p.Ile249Ser (NM_001406584.1, NM_001406585.1, NM_001406586.1 and 2 more transcripts); c.905T>G, p.Ile302Ser (NM_001406559.1); c.878T>G, p.Ile293Ser (NM_001406560.1); c.488T>G, p.Ile163Ser (NM_001406589.1); short protein forms I277S, I275S, I163S, I249S, I293S, I302S.
Identifiers: ClinVar variation 5033016 (VCV005033016.1).